The following is an entry in ClinVar:

NM_001165963.4(SCN1A):c.1679G>A (p.Arg560His)

Gene: SCN1A (sodium voltage-gated channel alpha subunit 1; minus strand). Cytogenetic location: 2q24.3.
Variant type: single nucleotide variant.
Coding change: c.1679G>A on transcript NM_001165963.4 (MANE Select); coding-DNA position 1679, G replaced by A.
Protein change: p.Arg560His; replaces arginine 560 with histidine.
Molecular consequence: missense variant. On other transcripts: 5 prime UTR variant (1), non-coding transcript variant (1).
Genome position (GRCh38, 1-based): chr2:166,044,033, C>T on the plus strand (G>A on the coding strand, the complement: SCN1A is on the minus strand). VCF-style: chr2-166044033-C-T. GRCh37 (hg19) VCF-style: chr2-166900543-C-T.
Other names: c.1679G>A, p.Arg560His (NM_001165964.3, NM_001202435.3, NM_001353948.2 and 7 more transcripts); c.1676G>A, p.Arg559His (NM_001353954.2, NM_001353955.2, NM_001353960.2); c.-747G>A (NM_001353961.2); short protein forms R559H, R560H.
Identifiers: ClinVar variation 1020397 (VCV001020397.13), dbSNP rs746769373, ClinGen allele CA1943262.
Genomic context (GRCh38, chr2:166,044,033, plus strand): 5'-CGCCCTCTAAAGCTGAAAAGGCTTGTTCTGCTATTTCGCCTTGGTGAAAATAGGGAGCCA[C>T]GGATGCTCAACAAAGACTAGAAGTTTGAAAGAGCAAACAAATAAAGTCATATTAATATGG-3'
Protein context (NP_001159435.1, residues 550-570): SSPHQSLLSI[Arg560His]GSLFSPRRNS

ClinVar aggregate classification (germline): Uncertain significance. Review status: criteria provided, multiple submitters, no conflicts (2 of 4 stars). 2 submissions from 2 submitters: Uncertain significance (2). Last evaluated 2025-09-16.

Conditions:
Early-infantile DEE. Also called: Ohtahara syndrome; Early infantile epileptic encephalopathy with suppression bursts; Early infantile epileptic encephalopathy. Identifiers: Orphanet 1934, MedGen C0393706, MONDO:0800491.

Allele frequency attached by ClinVar (database versions not stated): ExAC 0.00001; TOPMed below 0.00001; gnomAD 0.00001; gnomAD exomes 0.00001.
gnomAD v4.1: 12 of 1,613,910 alleles (0.00074%); highest among the groups gnomAD compares: East Asian, 0.0045%; no homozygotes.

Submissions (2):

GeneDx
Classification: Uncertain significance. Last evaluated: 2025-09-16. Review status: criteria provided, single submitter. Criteria: GeneDx Variant Classification Process June 2021. Collection method: clinical testing. Allele origin: germline. Affected: yes.
Comment: In silico analysis suggests that this missense variant does not alter protein structure/function; This substitution is predicted to be within the cytoplasmic loop between the first and second homologous domains; This variant is associated with the following publications: (PMID: 27835862, 39299018, 30182498)

Labcorp Genetics (formerly Invitae), Labcorp
Classification: Uncertain significance for Early-infantile DEE. Last evaluated: 2025-06-17. Review status: criteria provided, single submitter. Criteria: Invitae Variant Classification Sherloc (09022015). Collection method: clinical testing. Allele origin: germline.
Comment: This sequence change replaces arginine, which is basic and polar, with histidine, which is basic and polar, at codon 560 of the SCN1A protein (p.Arg560His). This variant is present in population databases (rs746769373, gnomAD 0.003%). This missense change has been observed in individual(s) with clinical features of SCN1A-related conditions (PMID: 30182498). In at least one individual the variant was observed to be de novo. ClinVar contains an entry for this variant (Variation ID: 1020397). Invitae Evidence Modeling of protein sequence and biophysical properties (such as structural, functional, and spatial information, amino acid conservation, physicochemical variation, residue mobility, and thermodynamic stability) has been performed for this missense variant. However, the output from this modeling did not meet the statistical confidence thresholds required to predict the impact of this variant on SCN1A protein function. In summary, the available evidence is currently insufficient to determine the role of this variant in disease. Therefore, it has been classified as a Variant of Uncertain Significance.

Literature cited by the submitters: PubMed 30182498 (cited by Labcorp Genetics (formerly Invitae), Labcorp).